The following is an entry in ClinVar:

NM_020340.5(ARFGEF3):c.4346-5T>C

Gene: ARFGEF3 (ARFGEF family member 3; plus strand). Cytogenetic location: 6q24.1.
Variant type: single nucleotide variant.
Coding change: c.4346-5T>C on transcript NM_020340.5 (MANE Select); 5 bases into the intron before coding-DNA position 4346, T replaced by C.
Molecular consequence: intron variant.
Genome position (GRCh38, 1-based): chr6:138,317,246, T>C. VCF-style: chr6-138317246-T-C. GRCh37 (hg19) VCF-style: chr6-138638383-T-C.
Identifiers: ClinVar variation 716072 (VCV000716072.5), dbSNP rs114314615, ClinGen allele CA4021354.
Genomic context (GRCh38, chr6:138,317,246, plus strand): 5'-GATCTTGAGATGATTATTCATTGTGTCTAACTGGATTTCATACAGGTCTGCTTTTTGGTT[T>C]CCAGGTCTGATAGAAGTCTGGATAATCCTGCTGGAGCAGCTGACAGCGGCTGTGTCCAAT-3'

ClinVar aggregate classification (germline): Benign. Review status: criteria provided, single submitter (1 of 4 stars). 2 submissions from 2 submitters: Benign (1). 1 of the submissions does not count toward it. Last evaluated 2018-10-09.

Conditions:
ARFGEF3-related disorder. Also called: ARFGEF3-related condition.

Allele frequency attached by ClinVar (database versions not stated): gnomAD exomes 0.00123 and 0.00318; ExAC 0.00382; 1000 Genomes Project 0.01278; gnomAD 0.01294 and 0.01397; 1000 Genomes Project 30x 0.01343; ESP Exome Variant Server 0.01430; TOPMed 0.01480.
gnomAD v4.1: 3,816 of 1,612,500 alleles (0.24%); highest among the groups gnomAD compares: African/African-American, 4.6%; 86 homozygotes.

Submissions (2):

Labcorp Genetics (formerly Invitae), Labcorp
Classification: Benign. Last evaluated: 2018-10-09. Review status: criteria provided, single submitter. Criteria: Invitae Variant Classification Sherloc (09022015). Collection method: clinical testing. Allele origin: germline.

PreventionGenetics, part of Exact Sciences
Classification: Benign for ARFGEF3-related condition. Last evaluated: 2019-02-22. Review status: no assertion criteria provided. Collection method: clinical testing. Allele origin: germline. Not counted in ClinVar's aggregate classification.
Comment: This variant is classified as benign based on ACMG/AMP sequence variant interpretation guidelines (Richards et al. 2015 PMID: 25741868, with internal and published modifications).